The following is an entry in ClinVar:

NM_005611.4(RBL2):c.2650A>G (p.Met884Val)

Gene: RBL2 (RB transcriptional corepressor like 2; plus strand). Cytogenetic location: 16q12.2.
Variant type: single nucleotide variant.
Coding change: c.2650A>G on transcript NM_005611.4 (MANE Select); coding-DNA position 2650, A replaced by G.
Protein change: p.Met884Val; replaces methionine 884 with valine.
Molecular consequence: missense variant.
Genome position (GRCh38, 1-based): chr16:53,470,869, A>G. VCF-style: chr16-53470869-A-G. GRCh37 (hg19) VCF-style: chr16-53504781-A-G.
Other names: c.2650A>G, p.Met884Val (NM_001323608.2, NM_001323609.2); c.2503A>G, p.Met835Val (NM_001323610.2); c.2428A>G, p.Met810Val (NM_001323611.1); short protein forms M810V, M835V, M884V.
Identifiers: ClinVar variation 3768151 (VCV003768151.1).

ClinVar aggregate classification (germline): Uncertain significance (1 of 4 stars; one submission).

gnomAD v4.1: 34 of 1,614,058 alleles (0.0021%); highest among the groups gnomAD compares: African/African-American, 0.004%; no homozygotes.

Submission:

Women's Health and Genetics/Laboratory Corporation of America, LabCorp
Classification: Uncertain significance. Last evaluated: 2024-12-10. Review status: criteria provided, single submitter. Criteria: LabCorp Variant Classification Summary - May 2015. Collection method: clinical testing. Allele origin: germline.
Comment: Variant summary: RBL2 c.2650A>G (p.Met884Val) results in a conservative amino acid change located in the B-box domain (IPR002719) of the encoded protein sequence. Three of five in-silico tools predict a benign effect of the variant on protein function. The variant allele was found at a frequency of 2.1e-05 in 1607062 control chromosomes in the gnomAD database (v4.1 dataset). This frequency is not higher than the maximum estimated for a pathogenic variant in RBL2 causing Brunet-Wagner Neurodevelopmental Syndrome, allowing no conclusion about variant significance. To our knowledge, no occurrence of c.2650A>G in individuals affected with Brunet-Wagner Neurodevelopmental Syndrome and no experimental evidence demonstrating its impact on protein function have been reported. No submitters have cited clinical-significance assessments for this variant to ClinVar. Based on the evidence outlined above, the variant was classified as uncertain significance.